The following is an entry in ClinVar:

NM_004629.2(FANCG):c.502G>A (p.Gly168Ser)

Gene: FANCG (FA complementation group G; minus strand). Cytogenetic location: 9p13.3.
Variant type: single nucleotide variant.
Coding change: c.502G>A on transcript NM_004629.2 (MANE Select); coding-DNA position 502, G replaced by A.
Protein change: p.Gly168Ser; replaces glycine 168 with serine.
Molecular consequence: missense variant.
Genome position (GRCh38, 1-based): chr9:35,078,149, C>T on the plus strand (G>A on the coding strand, the complement: FANCG is on the minus strand). VCF-style: chr9-35078149-C-T. GRCh37 (hg19) VCF-style: chr9-35078146-C-T.
Other names: short protein forms G168S.
Identifiers: ClinVar variation 4841413 (VCV004841413.1).

ClinVar aggregate classification (germline): Uncertain significance (1 of 4 stars; one submission).

Conditions:
Inborn genetic diseases. Identifiers: MedGen C0950123, MeSH D030342.

Submission:

Ambry Genetics
Classification: Uncertain significance for Inborn genetic diseases. Last evaluated: 2026-01-13. Review status: criteria provided, single submitter. Criteria: Ambry Variant Classification Scheme 2023. Collection method: clinical testing. Allele origin: germline.
Comment: The p.G168S variant (also known as c.502G>A), located in coding exon 4 of the FANCG gene, results from a G to A substitution at nucleotide position 502. The glycine at codon 168 is replaced by serine, an amino acid with similar properties. This amino acid position is conserved. In addition, this alteration is predicted to be tolerated by in silico analysis. Based on the available evidence, the clinical significance of this variant remains unclear.